The following is an entry in ClinVar:

NM_012062.5(DNM1L):c.1968C>T (p.Leu656=)

Gene: DNM1L (dynamin 1 like; plus strand). Cytogenetic location: 12p11.21.
Variant type: single nucleotide variant.
Coding change: c.1968C>T on transcript NM_012062.5 (MANE Select); coding-DNA position 1968, C replaced by T.
Protein change: p.Leu656=; no amino-acid change (leucine 656 retained).
Molecular consequence: synonymous variant.
Genome position (GRCh38, 1-based): chr12:32,740,492, C>T. VCF-style: chr12-32740492-C-T. GRCh37 (hg19) VCF-style: chr12-32893426-C-T.
Other names: p.L656L:CTC>CTT; c.1935C>T, p.Leu645= (NM_001278463.2); c.2007C>T, p.Leu669= (NM_001278464.2); c.1974C>T, p.Leu658= (NM_001278465.2); c.1359C>T, p.Leu453= (NM_001278466.2); c.1896C>T, p.Leu632= (NM_001330380.2); c.1857C>T, p.Leu619= (NM_005690.5); c.1890C>T, p.Leu630= (NM_012063.4).
Identifiers: ClinVar variation 137128 (VCV000137128.15), dbSNP rs148634653, ClinGen allele CA290652.

ClinVar aggregate classification (germline): Benign. Review status: criteria provided, multiple submitters, no conflicts (2 of 4 stars). 5 submissions from 5 submitters: Benign (4). 1 of the submissions does not count toward it. Last evaluated 2026-02-03.

Allele frequency attached by ClinVar (database versions not stated): 1000 Genomes Project 30x 0.00656; 1000 Genomes Project 0.00679; gnomAD 0.01745 and 0.01775; TOPMed 0.01755; gnomAD exomes 0.01803 and 0.02270; ESP Exome Variant Server 0.01945; ExAC 0.01984.
gnomAD v4.1: 35,793 of 1,613,430 alleles (2.2%); highest among the groups gnomAD compares: Middle Eastern, 3.4%; 517 homozygotes.

Submissions (5):

Labcorp Genetics (formerly Invitae), Labcorp
Classification: Benign. Last evaluated: 2026-02-03. Review status: criteria provided, single submitter. Criteria: Invitae Variant Classification Sherloc (09022015). Collection method: clinical testing. Allele origin: germline.

GeneDx
Classification: Benign. Last evaluated: 2012-06-12. Review status: criteria provided, single submitter. Criteria: GeneDx Variant Classification (06012015). Collection method: clinical testing. Allele origin: germline. Affected: yes.
Comment: This variant is considered likely benign or benign based on one or more of the following criteria: it is a conservative change, it occurs at a poorly conserved position in the protein, it is predicted to be benign by multiple in silico algorithms, and/or has population frequency not consistent with disease.

Breakthrough Genomics
Classification: Benign. Review status: criteria provided, single submitter. Criteria: ACMG Guidelines, 2015. Collection method: not provided. Allele origin: germline. Inheritance: Autosomal recessive inheritance. Affected: yes.

PreventionGenetics, part of Exact Sciences
Classification: Benign. Review status: criteria provided, single submitter. Criteria: ACMG Guidelines, 2015. Collection method: clinical testing. Allele origin: germline.

Mayo Clinic Laboratories, Mayo Clinic
Classification: Benign. Last evaluated: 2017-01-04. Review status: no assertion criteria provided. Collection method: clinical testing. Allele origin: unknown. Not counted in ClinVar's aggregate classification.